The following is an entry in ClinVar:

ClinVar aggregate classification (germline): Uncertain significance (1 of 4 stars; one submission).

gnomAD v4.1: 1 of 1,611,350 alleles (0.000062%); highest among the groups gnomAD compares: Non-Finnish European, 0.000085%; no homozygotes.

Submission:

Labcorp Genetics (formerly Invitae), Labcorp
Classification: Uncertain significance. Last evaluated: 2021-08-26. Review status: criteria provided, single submitter. Criteria: Invitae Variant Classification Sherloc (09022015). Collection method: clinical testing. Allele origin: germline.
Comment: This sequence change replaces proline with arginine at codon 366 of the CEACAM16 protein (p.Pro366Arg). The proline residue is highly conserved and there is a moderate physicochemical difference between proline and arginine. This variant is not present in population databases (ExAC no frequency). This variant has not been reported in the literature in individuals affected with CEACAM16-related conditions. Algorithms developed to predict the effect of missense changes on protein structure and function are either unavailable or do not agree on the potential impact of this missense change (SIFT: "Deleterious"; PolyPhen-2: "Probably Damaging"; Align-GVGD: "Class C0"). In summary, the available evidence is currently insufficient to determine the role of this variant in disease. Therefore, it has been classified as a Variant of Uncertain Significance.

NM_001039213.4(CEACAM16):c.1097C>G (p.Pro366Arg)

Genes: CEACAM16 (CEA cell adhesion molecule 16, tectorial membrane component; plus strand), CEACAM16-AS1 (CEACAM16, CEACAM19 and PVR antisense RNA 1; minus strand). Cytogenetic location: 19q13.32.
Variant type: single nucleotide variant.
Coding change: c.1097C>G on transcript NM_001039213.4 (MANE Select); coding-DNA position 1097, C replaced by G.
Protein change: p.Pro366Arg; replaces proline 366 with arginine.
Molecular consequence: missense variant.
Genome position (GRCh38, 1-based): chr19:44,708,017, C>G. VCF-style: chr19-44708017-C-G. GRCh37 (hg19) VCF-style: chr19-45211289-C-G.
Other names: short protein forms P366R.
Identifiers: ClinVar variation 1445916 (VCV001445916.6), dbSNP rs762367899, ClinGen allele CA406293308.